The following is an entry in ClinVar:

NM_000081.4(LYST):c.10576A>G (p.Met3526Val)

Gene: LYST (lysosomal trafficking regulator; minus strand). Cytogenetic location: 1q42.3.
Variant type: single nucleotide variant.
Coding change: c.10576A>G on transcript NM_000081.4 (MANE Select); coding-DNA position 10576, A replaced by G.
Protein change: p.Met3526Val; replaces methionine 3526 with valine.
Molecular consequence: missense variant.
Genome position (GRCh38, 1-based): chr1:235,693,475, T>C on the plus strand (A>G on the coding strand, the complement: LYST is on the minus strand). VCF-style: chr1-235693475-T-C. GRCh37 (hg19) VCF-style: chr1-235856775-T-C.
Other names: c.10576A>G, p.Met3526Val (NM_001301365.1); short protein forms M3526V.
Identifiers: ClinVar variation 3011043 (VCV003011043.1), dbSNP rs376161116, ClinGen allele CA1465327.

ClinVar aggregate classification (germline): Uncertain significance (1 of 4 stars; one submission).

Conditions:
Chédiak-Higashi syndrome (CHS). Also called: Chediak-Higashi Syndrome. Identifiers: Orphanet 167, MedGen C0007965, MONDO:0008963, OMIM 214500.

Allele frequency attached by ClinVar (database versions not stated): ExAC 0.00001; gnomAD 0.00001; TOPMed 0.00002; ESP Exome Variant Server 0.00008.
gnomAD v4.1: 3 of 1,613,994 alleles (0.00019%); highest among the groups gnomAD compares: African/African-American, 0.004%; no homozygotes.

Submission:

Labcorp Genetics (formerly Invitae), Labcorp
Classification: Uncertain significance for Chédiak-Higashi syndrome. Last evaluated: 2023-03-04. Review status: criteria provided, single submitter. Criteria: Invitae Variant Classification Sherloc (09022015). Collection method: clinical testing. Allele origin: germline.
Comment: In summary, the available evidence is currently insufficient to determine the role of this variant in disease. Therefore, it has been classified as a Variant of Uncertain Significance. Advanced modeling of protein sequence and biophysical properties (such as structural, functional, and spatial information, amino acid conservation, physicochemical variation, residue mobility, and thermodynamic stability) performed at Invitae indicates that this missense variant is not expected to disrupt LYST protein function. This variant has not been reported in the literature in individuals affected with LYST-related conditions. This variant is present in population databases (rs376161116, gnomAD 0.02%). This sequence change replaces methionine, which is neutral and non-polar, with valine, which is neutral and non-polar, at codon 3526 of the LYST protein (p.Met3526Val).